The following is an entry in ClinVar:

ClinVar aggregate classification (germline): Conflicting classifications of pathogenicity. Review status: criteria provided, conflicting classifications (1 of 4 stars). 6 submissions from 6 submitters: Uncertain significance (4); Likely benign (1). 1 of the submissions does not count toward it. Last evaluated 2025-12-28.

Conditions:
PKHD1-related disorder. Also called: PKHD1-related condition.
Inborn genetic diseases. Identifiers: MedGen C0950123, MeSH D030342.
Autosomal recessive polycystic kidney disease (ARPKD). Also called: AR polycystic kidney disease. Identifiers: Orphanet 731, Orphanet 8378, MedGen C0085548, MeSH D017044, MONDO:0009889.

Allele frequency attached by ClinVar (database versions not stated): TOPMed 0.00005.

Submissions (6):

Labcorp Genetics (formerly Invitae), Labcorp
Classification: Likely benign for Autosomal recessive polycystic kidney disease. Last evaluated: 2025-12-28. Review status: criteria provided, single submitter. Criteria: Invitae Variant Classification Sherloc (09022015). Collection method: clinical testing. Allele origin: germline.

Ambry Genetics
Classification: Uncertain significance for Inborn genetic diseases. Last evaluated: 2025-07-02. Review status: criteria provided, single submitter. Criteria: Ambry Variant Classification Scheme 2023. Collection method: clinical testing. Allele origin: germline.

Blueprint Genetics
Classification: Uncertain significance. Last evaluated: 2024-11-04. Review status: criteria provided, single submitter. Criteria: ACMG Guidelines, 2015. Collection method: clinical testing. Allele origin: germline.

CeGaT Center for Human Genetics Tuebingen
Classification: Uncertain significance. Last evaluated: 2024-03-01. Review status: criteria provided, single submitter. Criteria: CeGaT Center For Human Genetics Tuebingen Variant Classification Criteria Version 2. Collection method: clinical testing. Allele origin: germline. Affected: yes. Observed: 1 variant allele.
Comment: PKHD1: PM2, BP4

Illumina Laboratory Services, Illumina
Classification: Uncertain significance for Polycystic kidney disease 4. Last evaluated: 2018-02-28. Review status: criteria provided, single submitter. Criteria: ICSL Variant Classification Criteria 13 December 2019. Collection method: clinical testing. Allele origin: germline.

PreventionGenetics, part of Exact Sciences
Classification: Uncertain significance for PKHD1-related condition. Last evaluated: 2024-02-15. Review status: no assertion criteria provided. Collection method: clinical testing. Allele origin: germline. Not counted in ClinVar's aggregate classification.
Comment: The PKHD1 c.10883C>T variant is predicted to result in the amino acid substitution p.Thr3628Ile. To our knowledge, this variant has not been reported in the literature. This variant is reported in 0.011% of alleles in individuals of European (Non-Finnish) descent in gnomAD. At this time, the clinical significance of this variant is uncertain due to the absence of conclusive functional and genetic evidence.

NM_138694.4(PKHD1):c.10883C>T (p.Thr3628Ile)

Gene: PKHD1 (PKHD1 ciliary IPT domain containing fibrocystin/polyductin; minus strand). Cytogenetic location: 6p12.3.
Variant type: single nucleotide variant.
Coding change: c.10883C>T on transcript NM_138694.4 (MANE Select); coding-DNA position 10883, C replaced by T.
Protein change: p.Thr3628Ile; replaces threonine 3628 with isoleucine.
Molecular consequence: missense variant.
Genome position (GRCh38, 1-based): chr6:51,659,243, G>A on the plus strand (C>T on the coding strand, the complement: PKHD1 is on the minus strand). VCF-style: chr6-51659243-G-A. GRCh37 (hg19) VCF-style: chr6-51524041-G-A.
Other names: short protein forms T3628I.
Identifiers: ClinVar variation 909087 (VCV000909087.37), dbSNP rs147700643, ClinGen allele CA3850998.
Genomic context (GRCh38, chr6:51,659,243, plus strand): 5'-CTATGTGAGTTCATTTCCATCATGAGAGGCCTACGTTGACCAACTCTTCTATAATGACTA[G>A]TGCAAGTCACAGTAGGGCAATTGCGCTTTCTTTTTGCTCTACTGTCAGCAATGGCCTTTA-3'
Protein context (NP_619639.3, residues 3618-3638): RKRNCPTVTC[Thr3628Ile]SHYRRVGQRR